The following is an entry in ClinVar:

ClinVar aggregate classification (germline): Conflicting classifications of pathogenicity. Review status: criteria provided, conflicting classifications (1 of 4 stars). 6 submissions from 6 submitters: Uncertain significance (1); Benign (1); Likely benign (2). 2 of the submissions do not count toward it. Last evaluated 2026-01-28.

Conditions:
COG5-related disorder. Also called: COG5-related condition.
COG5-congenital disorder of glycosylation. Also called: COG5-CDG; CDG IIi; CONGENITAL DISORDER OF GLYCOSYLATION, TYPE IIi. Identifiers: Orphanet 263487, MedGen C3150876, MONDO:0013325, OMIM 613612.

Allele frequency attached by ClinVar (database versions not stated): ESP Exome Variant Server 0.00100; TOPMed 0.00128; gnomAD 0.00131 and 0.00142; gnomAD exomes 0.00148 and 0.00167; ExAC 0.00162.
gnomAD v4.1: 2,619 of 1,609,472 alleles (0.16%); highest among the groups gnomAD compares: Non-Finnish European, 0.19%; 2 homozygotes.

Submissions (6):

Labcorp Genetics (formerly Invitae), Labcorp
Classification: Benign for COG5-congenital disorder of glycosylation. Last evaluated: 2026-01-28. Review status: criteria provided, single submitter. Criteria: Invitae Variant Classification Sherloc (09022015). Collection method: clinical testing. Allele origin: germline.

Blueprint Genetics
Classification: Likely benign. Last evaluated: 2024-10-25. Review status: criteria provided, single submitter. Criteria: ACMG Guidelines, 2015. Collection method: clinical testing. Allele origin: germline.

Illumina Laboratory Services, Illumina
Classification: Uncertain significance for COG5-congenital disorder of glycosylation. Last evaluated: 2018-01-13. Review status: criteria provided, single submitter. Criteria: ICSL Variant Classification Criteria 13 December 2019. Collection method: clinical testing. Allele origin: germline.

GeneDx
Classification: Likely benign. Last evaluated: 2017-11-03. Review status: criteria provided, single submitter. Criteria: GeneDx Variant Classification (06012015). Collection method: clinical testing. Allele origin: germline. Affected: yes.
Comment: This variant is considered likely benign or benign based on one or more of the following criteria: it is a conservative change, it occurs at a poorly conserved position in the protein, it is predicted to be benign by multiple in silico algorithms, and/or has population frequency not consistent with disease.

PreventionGenetics, part of Exact Sciences
Classification: Likely benign for COG5-related condition. Last evaluated: 2024-08-20. Review status: no assertion criteria provided. Collection method: clinical testing. Allele origin: germline. Not counted in ClinVar's aggregate classification.
Comment: This variant is classified as likely benign based on ACMG/AMP sequence variant interpretation guidelines (Richards et al. 2015 PMID: 25741868, with internal and published modifications).

Broad Center for Mendelian Genomics, Broad Institute of MIT and Harvard
Classification: Likely benign for COG5-congenital disorder of glycosylation. Last evaluated: 2020-11-16. Review status: no assertion criteria provided. Collection method: curation. Allele origin: germline. Inheritance: Autosomal recessive inheritance. Not counted in ClinVar's aggregate classification.
Comment: The variant has not been previously reported in individuals with COG5-CDG and has been identified in 0.29% (30/10352) of Ashkenazi Jewish chromosomes by the Genome Aggregation Database (gnomAD; dbSNP ID: rs142970891). This variant has also been reported in ClinVar (Variation ID#: 358457) as likely benign by GeneDx and as uncertain significance by Illumina Clinical Services Laboratory. Computational prediction tools, including splice predictors, and conservation analyses suggest that this variant may not impact the protein, though this information is not predictive enough to rule out pathogenicity. In summary, although additional studies are required to fully establish its clinical significance, this variant is likely benign. ACMG/AMP Criteria applied: BS1, BP4, BP7 (Richards 2015).

NM_006348.5(COG5):c.1776T>C (p.Ala592=)

Gene: COG5 (component of oligomeric golgi complex 5; minus strand). Cytogenetic location: 7q22.3.
Variant type: single nucleotide variant.
Coding change: c.1776T>C on transcript NM_006348.5 (MANE Select); coding-DNA position 1776, T replaced by C.
Protein change: p.Ala592=; no amino-acid change (alanine 592 retained).
Molecular consequence: synonymous variant.
Genome position (GRCh38, 1-based): chr7:107,248,473, A>G on the plus strand (T>C on the coding strand, the complement: COG5 is on the minus strand). VCF-style: chr7-107248473-A-G. GRCh37 (hg19) VCF-style: chr7-106888918-A-G.
Other names: c.1776T>C, p.Ala592= (NM_001161520.2, NM_001379513.1, NM_001379514.1); c.1614T>C, p.Ala538= (NM_001379511.1); c.1602T>C, p.Ala534= (NM_001379512.1); c.1206T>C, p.Ala402= (NM_001379515.1); c.1062T>C, p.Ala354= (NM_001379516.1); c.1713T>C, p.Ala571= (NM_181733.4).
Identifiers: ClinVar variation 358457 (VCV000358457.15), dbSNP rs142970891, ClinGen allele CA4430782.
Genomic context (GRCh38, chr7:107,248,473, plus strand): 5'-ATGCATGGTGATGATTATGGCCTCTATAGCATCTCCCACAGAAGTGAGTAAGGGTTGCAC[A>G]GCATTTTCCATAAGAGCATGAATAGCCTAAAAAAAAAAAAGAAAGAAAAAAAAGAAGAGG-3'
Protein context (NP_006339.4, residues 582-602): LKAIHALMEN[Ala592=]VQPLLTSVGD